The following is an entry in ClinVar:

ClinVar aggregate classification (germline): Likely benign (1 of 4 stars; one submission).

gnomAD v4.1: 1,157 of 1,612,924 alleles (0.072%); highest among the groups gnomAD compares: Non-Finnish European, 0.033%; 12 homozygotes.

Submission:

CeGaT Center for Human Genetics Tuebingen
Classification: Likely benign. Last evaluated: 2024-10-01. Review status: criteria provided, single submitter. Criteria: CeGaT Center For Human Genetics Tuebingen Variant Classification Criteria Version 2. Collection method: clinical testing. Allele origin: germline. Affected: yes. Observed: 1 variant allele.
Comment: PRRC2C: BP4, BP7

NM_001387844.1(PRRC2C):c.150C>T (p.Val50=)

Gene: PRRC2C (proline rich coiled-coil 2C; plus strand). Cytogenetic location: 1q24.3.
Variant type: single nucleotide variant.
Coding change: c.150C>T on transcript NM_001387844.1 (MANE Select); coding-DNA position 150, C replaced by T.
Protein change: p.Val50=; no amino-acid change (valine 50 retained).
Molecular consequence: synonymous variant.
Genome position (GRCh38, 1-based): chr1:171,513,032, C>T. VCF-style: chr1-171513032-C-T. GRCh37 (hg19) VCF-style: chr1-171482171-C-T.
Other names: c.144C>T, p.Val48= (NM_015172.4).
Identifiers: ClinVar variation 3388016 (VCV003388016.14).